The following is an entry in ClinVar:

NM_002890.3(RASA1):c.1813A>C (p.Lys605Gln)

Genes: CCNH (cyclin H; minus strand), RASA1 (RAS p21 protein activator 1; plus strand). Cytogenetic location: 5q14.3.
Variant type: single nucleotide variant.
Coding change: c.1813A>C on transcript NM_002890.3 (MANE Select); coding-DNA position 1813, A replaced by C.
Protein change: p.Lys605Gln; replaces lysine 605 with glutamine.
Molecular consequence: missense variant. On other transcripts: intron variant (1).
Genome position (GRCh38, 1-based): chr5:87,374,199, A>C. VCF-style: chr5-87374199-A-C. GRCh37 (hg19) VCF-style: chr5-86670016-A-C.
Other names: c.1282A>C, p.Lys428Gln (NM_022650.3); c.933+20845T>G (NM_001364075.2); short protein forms K428Q, K605Q.
Identifiers: ClinVar variation 2575234 (VCV002575234.13), dbSNP rs770648763, ClinGen allele CA360373928.

ClinVar aggregate classification (germline): Uncertain significance (1 of 4 stars; one submission).

Conditions:
Capillary malformation-arteriovenous malformation 1 (CMAVM1). Identifiers: Orphanet 137667, Orphanet 693907, MedGen C4747394, MONDO:0020783, OMIM 608354.

Submission:

Johns Hopkins Genomics, Johns Hopkins University
Classification: Uncertain significance for Capillary malformation-arteriovenous malformation 1. Last evaluated: 2023-05-24. Review status: criteria provided, single submitter. Criteria: ACMG Guidelines, 2015. Collection method: clinical testing. Allele origin: germline.
Comment: This RASA1 missense variant is absent from a large population dataset and has not been reported in ClinVar nor the literature, to our knowledge. Of two bioinformatics tools queried, one predicts that the substitution would be damaging, while the other predicts that it would be tolerated. The lysine residue at this position is evolutionarily conserved across many of the species assessed. We consider the clinical significance of c.1813A>C;p.Lys605Gln in RASA1 to be uncertain at this time.